The following is an entry in ClinVar:

NM_177438.3(DICER1):c.3499G>A (p.Glu1167Lys)

Gene: DICER1 (dicer 1, ribonuclease III; minus strand). Cytogenetic location: 14q32.13.
Variant type: single nucleotide variant.
Coding change: c.3499G>A on transcript NM_177438.3 (MANE Select); coding-DNA position 3499, G replaced by A.
Protein change: p.Glu1167Lys; replaces glutamic acid 1167 with lysine.
Molecular consequence: missense variant.
Genome position (GRCh38, 1-based): chr14:95,103,897, C>T on the plus strand (G>A on the coding strand, the complement: DICER1 is on the minus strand). VCF-style: chr14-95103897-C-T. GRCh37 (hg19) VCF-style: chr14-95570234-C-T.
Other names: c.3499G>A, p.Glu1167Lys (NM_001195573.1, NM_001271282.3, NM_001291628.2 and 1 more transcripts); short protein forms E1167K.
Identifiers: ClinVar variation 543582 (VCV000543582.16), dbSNP rs1456267980, ClinGen allele CA390875173.
Genomic context (GRCh38, chr14:95,103,897, plus strand): 5'-CATTGGCGAGATTTTGATTGTAAGAAAGACCATTAATTGCTGTAAGATCTGCTGAAACTT[C>T]AACGTGGAGCTTACCAGGGGACTCGCTGAGCAACGTTCTGCAGTTCACAGACATTTGGTC-3'
Protein context (NP_803187.1, residues 1157-1177): LSESPGKLHV[Glu1167Lys]VSADLTAING

ClinVar aggregate classification (germline): Uncertain significance. Review status: criteria provided, multiple submitters, no conflicts (2 of 4 stars). 2 submissions from 2 submitters: Uncertain significance (2). Last evaluated 2025-12-24.

Conditions:
Hereditary cancer-predisposing syndrome. Also called: Neoplastic Syndromes, Hereditary; Tumor predisposition; Hereditary Cancer Syndrome; Hereditary neoplastic syndrome. Identifiers: Orphanet 140162, MedGen C0027672, MeSH D009386, MONDO:0015356.
DICER1-related tumor predisposition. Also called: DICER1-related pleuropulmonary blastoma cancer predisposition syndrome; DICER1 syndrome. Identifiers: Orphanet 284343, MedGen C3839822, MONDO:0100216.

Allele frequency attached by ClinVar (database versions not stated): gnomAD exomes below 0.00001; TOPMed below 0.00001; gnomAD 0.00001.
gnomAD v4.1: 3 of 1,614,034 alleles (0.00019%); highest among the groups gnomAD compares: Non-Finnish European, 0.00025%; no homozygotes.

Submissions (2):

Labcorp Genetics (formerly Invitae), Labcorp
Classification: Uncertain significance for DICER1-related tumor predisposition. Last evaluated: 2025-12-24. Review status: criteria provided, single submitter. Criteria: Invitae Variant Classification Sherloc (09022015). Collection method: clinical testing. Allele origin: germline.
Comment: This sequence change replaces glutamic acid, which is acidic and polar, with lysine, which is basic and polar, at codon 1167 of the DICER1 protein (p.Glu1167Lys). This variant is not present in population databases (gnomAD no frequency). This variant has not been reported in the literature in individuals affected with DICER1-related conditions. ClinVar contains an entry for this variant (Variation ID: 543582). Invitae Evidence Modeling of protein sequence and biophysical properties (such as structural, functional, and spatial information, amino acid conservation, physicochemical variation, residue mobility, and thermodynamic stability) indicates that this missense variant is not expected to disrupt DICER1 protein function with a negative predictive value of 95%. In summary, the available evidence is currently insufficient to determine the role of this variant in disease. Therefore, it has been classified as a Variant of Uncertain Significance.

Ambry Genetics
Classification: Uncertain significance for Hereditary cancer-predisposing syndrome. Last evaluated: 2024-05-31. Review status: criteria provided, single submitter. Criteria: Ambry Variant Classification Scheme 2023. Collection method: clinical testing. Allele origin: germline.
Comment: The p.E1167K variant (also known as c.3499G>A), located in coding exon 20 of the DICER1 gene, results from a G to A substitution at nucleotide position 3499. The glutamic acid at codon 1167 is replaced by lysine, an amino acid with similar properties. This amino acid position is not well conserved in available vertebrate species. In addition, this alteration is predicted to be tolerated by in silico analysis. Since supporting evidence is limited at this time, the clinical significance of this alteration remains unclear.